The following is an entry in ClinVar:

ClinVar aggregate classification (germline): Uncertain significance. Review status: criteria provided, multiple submitters, no conflicts (2 of 4 stars). 2 submissions from 2 submitters: Uncertain significance (2). Last evaluated 2025-08-01.

Conditions:
Cardiovascular phenotype. Identifiers: MedGen CN230736.

Allele frequency attached by ClinVar (database versions not stated): gnomAD exomes below 0.00001.
gnomAD v4.1: 3 of 1,611,090 alleles (0.00019%); highest among the groups gnomAD compares: South Asian, 0.0011%; no homozygotes.

Submissions (2):

Labcorp Genetics (formerly Invitae), Labcorp
Classification: Uncertain significance. Last evaluated: 2025-08-01. Review status: criteria provided, single submitter. Criteria: Invitae Variant Classification Sherloc (09022015). Collection method: clinical testing. Allele origin: germline.
Comment: This sequence change replaces glycine, which is neutral and non-polar, with serine, which is neutral and polar, at codon 117 of the TBX20 protein (p.Gly117Ser). This variant is present in population databases (no rsID available, gnomAD 0.003%). This variant has not been reported in the literature in individuals affected with TBX20-related conditions. ClinVar contains an entry for this variant (Variation ID: 1732032). Invitae Evidence Modeling of protein sequence and biophysical properties (such as structural, functional, and spatial information, amino acid conservation, physicochemical variation, residue mobility, and thermodynamic stability) indicates that this missense variant is expected to disrupt TBX20 protein function with a positive predictive value of 80%. In summary, the available evidence is currently insufficient to determine the role of this variant in disease. Therefore, it has been classified as a Variant of Uncertain Significance.

Ambry Genetics
Classification: Uncertain significance for Cardiovascular phenotype. Last evaluated: 2024-09-01. Review status: criteria provided, single submitter. Criteria: Ambry Variant Classification Scheme 2023. Collection method: clinical testing. Allele origin: germline.

NM_001077653.2(TBX20):c.349G>A (p.Gly117Ser)

Gene: TBX20 (T-box transcription factor 20; minus strand). Cytogenetic location: 7p14.2.
Variant type: single nucleotide variant.
Coding change: c.349G>A on transcript NM_001077653.2 (MANE Select); coding-DNA position 349, G replaced by A.
Protein change: p.Gly117Ser; replaces glycine 117 with serine.
Molecular consequence: missense variant.
Genome position (GRCh38, 1-based): chr7:35,249,982, C>T on the plus strand (G>A on the coding strand, the complement: TBX20 is on the minus strand). VCF-style: chr7-35249982-C-T. GRCh37 (hg19) VCF-style: chr7-35289594-C-T.
Other names: c.349G>A, p.Gly117Ser (NM_001166220.1); short protein forms G117S.
Identifiers: ClinVar variation 1732032 (VCV001732032.6), dbSNP rs1429397369, ClinGen allele CA367264947.